The following is an entry in ClinVar:

ClinVar aggregate classification (germline): Pathogenic/Likely pathogenic. Review status: criteria provided, multiple submitters, no conflicts (2 of 4 stars). 2 submissions from 2 submitters: Pathogenic (1); Likely pathogenic (1). Last evaluated 2018-03-29.

Conditions:
Enterokinase deficiency. Also called: Congenital enteropathy due to enteropeptidase deficiency; ENTEROPEPTIDASE DEFICIENCY; Deficiency of enteropeptidase. Identifiers: Orphanet 168601, MedGen C0268416, MONDO:0009173, OMIM 226200.

Submissions (2):

Labcorp Genetics (formerly Invitae), Labcorp
Classification: Pathogenic. Last evaluated: 2018-03-29. Review status: criteria provided, single submitter. Criteria: Invitae Variant Classification Sherloc (09022015). Collection method: clinical testing. Allele origin: germline.
Comment: This sequence change creates a premature translational stop signal (p.Leu765Tyrfs*68) in the TMPRSS15 gene. It is expected to result in an absent or disrupted protein product. This variant is present in population databases (rs748851550, ExAC 0.04%). For these reasons, this variant has been classified as Pathogenic. Loss-of-function variants in TMPRSS15 are known to be pathogenic (PMID: 11719902). This variant has not been reported in the literature in individuals with TMPRSS15-related disease.

CENTOGENE GmbH and LLC - Guiding Precision Medicine
Classification: Likely pathogenic for Enterokinase deficiency. Review status: criteria provided, single submitter. Criteria: ACMG Guidelines, 2015. Collection method: clinical testing. Allele origin: germline. Affected: yes.

Literature cited by the submitters: PubMed 11719902 (cited by Labcorp Genetics (formerly Invitae), Labcorp).

NM_002772.3(TMPRSS15):c.2294del (p.Leu765fs)

Gene: TMPRSS15 (transmembrane serine protease 15; minus strand). Cytogenetic location: 21q21.1.
Variant type: Deletion.
Coding change: c.2294del on transcript NM_002772.3 (MANE Select); coding-DNA position 2294, one base deleted (T; older notation c.2294delT).
Protein change: p.Leu765fs; shifts the reading frame from leucine 765.
Molecular consequence: frameshift variant.
Genome position (GRCh38, 1-based): chr21:18,294,620, A deleted on the plus strand (T on the coding strand, the reverse complement: TMPRSS15 is on the minus strand); the first of 2 consecutive A bases (chr21:18,294,620-18,294,621); deleting either gives the same sequence. VCF-style (leftmost placement, unchanged base first): chr21-18294619-TA-T. GRCh37 (hg19) VCF-style: chr21-19666936-TA-T.
Other names: short protein forms L765fs.
Identifiers: ClinVar variation 973545 (VCV000973545.7), dbSNP rs748851550, ClinGen allele CA9984117.